The following is an entry in ClinVar:

ClinVar aggregate classification (germline): Uncertain significance (1 of 4 stars; one submission).

Conditions:
Bethlem myopathy 1A. Also called: MYOPATHY, BENIGN CONGENITAL, WITH CONTRACTURES; Bethlem Muscular Dystrophy; Bethlem myopathy 1. Identifiers: Orphanet 610, MedGen CN029274, MONDO:0024530, OMIM 158810.

Submission:

Labcorp Genetics (formerly Invitae), Labcorp
Classification: Uncertain significance for Bethlem myopathy 1A. Last evaluated: 2021-04-30. Review status: criteria provided, single submitter. Criteria: Invitae Variant Classification Sherloc (09022015). Collection method: clinical testing. Allele origin: germline.
Comment: Advanced modeling of protein sequence and biophysical properties (such as structural, functional, and spatial information, amino acid conservation, physicochemical variation, residue mobility, and thermodynamic stability) performed at Invitae indicates that this missense variant is not expected to disrupt COL6A2 protein function. This variant has not been reported in the literature in individuals with COL6A2-related conditions. This variant is not present in population databases (ExAC no frequency). This sequence change replaces lysine with arginine at codon 420 of the COL6A2 protein (p.Lys420Arg). The lysine residue is moderately conserved and there is a small physicochemical difference between lysine and arginine. In summary, the available evidence is currently insufficient to determine the role of this variant in disease. Therefore, it has been classified as a Variant of Uncertain Significance. Algorithms developed to predict the effect of sequence changes on RNA splicing suggest that this variant may create or strengthen a splice site, but this prediction has not been confirmed by published transcriptional studies.

NM_001849.4(COL6A2):c.1259A>G (p.Lys420Arg)

Gene: COL6A2 (collagen type VI alpha 2 chain; plus strand). Cytogenetic location: 21q22.3.
Variant type: single nucleotide variant.
Coding change: c.1259A>G on transcript NM_001849.4 (MANE Select); coding-DNA position 1259, A replaced by G.
Protein change: p.Lys420Arg; replaces lysine 420 with arginine.
Molecular consequence: missense variant.
Genome position (GRCh38, 1-based): chr21:46,119,109, A>G. VCF-style: chr21-46119109-A-G. GRCh37 (hg19) VCF-style: chr21-47539023-A-G.
Other names: c.1259A>G, p.Lys420Arg (NM_058174.3, NM_058175.3); short protein forms K420R.
Identifiers: ClinVar variation 1434869 (VCV001434869.8), dbSNP rs2123637568, ClinGen allele CA410530025.